The following is an entry in ClinVar:

ClinVar aggregate classification (germline): Likely pathogenic (1 of 4 stars; one submission).

Submission:

GeneDx
Classification: Likely pathogenic. Last evaluated: 2026-05-03. Review status: criteria provided, single submitter. Criteria: GeneDx Variant Classification Process June 2021. Collection method: clinical testing. Allele origin: germline.
Comment: Frameshift variant predicted to result in protein truncation or nonsense mediated decay in a gene for which loss of function is a known mechanism of disease; Not observed at significant frequency in large population cohorts (gnomAD); Has not been previously published as pathogenic or benign to our knowledge

NM_001930.4(DHPS):c.709dup (p.Thr237fs)

Gene: DHPS (deoxyhypusine synthase; minus strand). Cytogenetic location: 19p13.13.
Variant type: Duplication.
Coding change: c.709dup on transcript NM_001930.4 (MANE Select); coding-DNA position 709, one base duplicated (A; older notation c.709dupA).
Protein change: p.Thr237fs; shifts the reading frame from threonine 237.
Molecular consequence: frameshift variant. On other transcripts: non-coding transcript variant (4).
Genome position (GRCh38, 1-based): chr19:12,677,366, T duplicated on the plus strand (A on the coding strand, the reverse complement: DHPS is on the minus strand). VCF-style (leftmost placement, unchanged base first): chr19-12677365-G-GT. GRCh37 (hg19) VCF-style: chr19-12788179-G-GT.
Other names: c.583dup, p.Thr195fs (NM_001206974.2); c.709dup, p.Thr237fs (NM_001369691.1, NM_001369692.1, NM_013406.3); c.160dup, p.Thr54fs (NM_001369693.1); short protein forms T195fs, T237fs, T54fs.
Identifiers: ClinVar variation 4526968 (VCV004526968.2).